The following is an entry in ClinVar:

NM_001009944.3(PKD1):c.11411+4A>G

Genes: PKD1 (polycystin 1, transient receptor potential channel interacting; minus strand), PKD1-AS1 (PKD1 antisense RNA 1; plus strand). Cytogenetic location: 16p13.3.
Variant type: single nucleotide variant.
Coding change: c.11411+4A>G on transcript NM_001009944.3 (MANE Select); 4 bases into the intron after coding-DNA position 11411, A replaced by G.
Molecular consequence: intron variant.
Genome position (GRCh38, 1-based): chr16:2,092,043, T>C on the plus strand (A>G on the coding strand, the complement: PKD1 is on the minus strand). VCF-style: chr16-2092043-T-C. GRCh37 (hg19) VCF-style: chr16-2142044-T-C.
Other names: c.11408+4A>G (NM_000296.4).
Identifiers: ClinVar variation 2578419 (VCV002578419.5), dbSNP rs2544624200, ClinGen allele CA2580617646.
Genomic context (GRCh38, chr16:2,092,043, plus strand): 5'-GGCACTCCTGGAGAACTACTCCCTTGTCCTTGGCGTAGACGCCCGGGGCCCTCGCTCTGC[T>C]CACCCCAGCAGATCCGGCGCTGAATAGGCCCACGTCCCCGAGCCATTGTGAGGACTCTCC-3'

ClinVar aggregate classification (germline): Uncertain significance. Review status: criteria provided, multiple submitters, no conflicts (2 of 4 stars). 3 submissions from 3 submitters: Uncertain significance (3). Last evaluated 2026-04-24.

Conditions:
Polycystic kidney disease, adult type (PKD1). Also called: Polycystic Kidney Disease 1, Autosomal Dominant; Polycystic kidney disease 1; Polycystic kidney disease 1, severe; POLYCYSTIC KIDNEY DISEASE, ADULT, TYPE I; Polycystic Kidney, Autosomal Dominant; POLYCYSTIC KIDNEY DISEASE 1 WITH OR WITHOUT POLYCYSTIC LIVER DISEASE. Identifiers: MedGen C3149841, MONDO:0008263, OMIM 173900.

Submissions (3):

Women's Health and Genetics/Laboratory Corporation of America, LabCorp
Classification: Uncertain significance. Last evaluated: 2026-04-24. Review status: criteria provided, single submitter. Criteria: LabCorp Variant Classification Summary - May 2015. Collection method: clinical testing. Allele origin: germline.
Comment: Variant summary: PKD1 c.11411+4A>G alters a nucleotide located close to a canonical splice site and therefore could affect mRNA splicing, leading to a significantly altered protein sequence. Several computational tools predict a significant impact on normal splicing: Two predict the variant abolishes a 5' splicing donor site. Two predict the variant weakens a 5' donor site. However, these predictions have yet to be confirmed by functional studies. The variant was absent in 247948 control chromosomes. The available data on variant occurrences in the general population are insufficient to allow any conclusion about variant significance. To our knowledge, no occurrence of c.11411+4A>G in individuals affected with PKD1-related conditions and no experimental evidence demonstrating its impact on protein function have been reported. ClinVar contains an entry for this variant (Variation ID: 2578419). Based on the evidence outlined above, the variant was classified as uncertain significance.

Institute of Human Genetics, University of Leipzig Medical Center
Classification: Uncertain significance for Polycystic kidney disease, adult type. Last evaluated: 2025-03-04. Review status: criteria provided, single submitter. Criteria: ACMG Guidelines, 2015. Collection method: clinical testing. Allele origin: unknown. Inheritance: Autosomal dominant inheritance. Affected: yes.
Comment: Criteria applied: PM2,PP3

Breakthrough Genomics
Classification: Uncertain significance. Review status: criteria provided, single submitter. Criteria: ACMG Guidelines, 2015. Collection method: not provided. Allele origin: germline. Inheritance: Autosomal dominant inheritance. Affected: yes.